The following is an entry in ClinVar:

ClinVar aggregate classification (germline): Uncertain significance (1 of 4 stars; one submission).

Conditions:
CREBBP-related disorder. Also called: CREBBP-related condition; CREBBP-related disorders.

Submission:

PreventionGenetics, part of Exact Sciences
Classification: Uncertain significance for CREBBP-related condition. Last evaluated: 2025-01-14. Review status: criteria provided, single submitter. Criteria: ACMG Guidelines, 2015. Collection method: clinical testing. Allele origin: germline.
Comment: The CREBBP c.6253C>G variant is predicted to result in the amino acid substitution p.Gln2085Glu. To our knowledge, this variant has not been reported in the literature or in a large population database (gnomAD), indicating this variant is rare. At this time, the clinical significance of this variant is uncertain due to the absence of conclusive functional and genetic evidence.

NM_004380.3(CREBBP):c.6253C>G (p.Gln2085Glu)

Gene: CREBBP (CREB binding lysine acetyltransferase; minus strand). Cytogenetic location: 16p13.3.
Variant type: single nucleotide variant.
Coding change: c.6253C>G on transcript NM_004380.3 (MANE Select); coding-DNA position 6253, C replaced by G.
Protein change: p.Gln2085Glu; replaces glutamine 2085 with glutamic acid.
Molecular consequence: missense variant.
Genome position (GRCh38, 1-based): chr16:3,728,794, G>C on the plus strand (C>G on the coding strand, the complement: CREBBP is on the minus strand). VCF-style: chr16-3728794-G-C. GRCh37 (hg19) VCF-style: chr16-3778795-G-C.
Other names: c.6139C>G, p.Gln2047Glu (NM_001079846.1); short protein forms Q2047E, Q2085E.
Identifiers: ClinVar variation 4998108 (VCV004998108.1).
Genomic context (GRCh38, chr16:3,728,794, plus strand): 5'-TGCGCTGTTTGATGAAAGCTGCCATTAGCTGCGGGTTTGATTTGAGAATGTTCAGCACCT[G>C]CTGTTGCTGCTGAGGGGAGCTGGGCGACTTCAGGGTCCGCAGCAGGTCTTGCAGAGCGCT-3'
Protein context (NP_004371.2, residues 2075-2095): KSPSSPQQQQ[Gln2085Glu]VLNILKSNPQ